The following is an entry in ClinVar:

ClinVar aggregate classification (germline): Uncertain significance. Review status: criteria provided, multiple submitters, no conflicts (2 of 4 stars). 3 submissions from 3 submitters: Uncertain significance (3). Last evaluated 2023-10-14.

Conditions:
Hereditary cancer-predisposing syndrome. Also called: Tumor predisposition; Neoplastic Syndromes, Hereditary; Hereditary Cancer Syndrome; Hereditary neoplastic syndrome. Identifiers: Orphanet 140162, MedGen C0027672, MeSH D009386, MONDO:0015356.
Microcephaly, normal intelligence and immunodeficiency (NBS). Also called: BERLIN BREAKAGE SYNDROME; Ataxia telangiectasia variant V1; IMMUNODEFICIENCY, MICROCEPHALY, AND CHROMOSOMAL INSTABILITY; SEEMANOVA SYNDROME II; Immunodeficiency, microcephaly with normal intelligence; Nijmegen breakage syndrome. Identifiers: Orphanet 647, MedGen C0398791, MONDO:0009623, OMIM 251260.

Submissions (3):

Labcorp Genetics (formerly Invitae), Labcorp
Classification: Uncertain significance for Microcephaly, normal intelligence and immunodeficiency. Last evaluated: 2023-10-14. Review status: criteria provided, single submitter. Criteria: Invitae Variant Classification Sherloc (09022015). Collection method: clinical testing. Allele origin: germline.
Comment: This sequence change replaces arginine, which is basic and polar, with glycine, which is neutral and non-polar, at codon 594 of the NBN protein (p.Arg594Gly). This variant is not present in population databases (gnomAD no frequency). This variant has not been reported in the literature in individuals affected with NBN-related conditions. ClinVar contains an entry for this variant (Variation ID: 490050). An algorithm developed to predict the effect of missense changes on protein structure and function (PolyPhen-2) suggests that this variant is likely to be disruptive. In summary, the available evidence is currently insufficient to determine the role of this variant in disease. Therefore, it has been classified as a Variant of Uncertain Significance.

Genome-Nilou Lab
Classification: Uncertain significance for Microcephaly, normal intelligence and immunodeficiency. Last evaluated: 2021-11-07. Review status: criteria provided, single submitter. Criteria: ACMG Guidelines, 2015. Collection method: clinical testing. Allele origin: germline. Affected: no.

Ambry Genetics
Classification: Uncertain significance for Hereditary cancer-predisposing syndrome. Last evaluated: 2018-09-19. Review status: criteria provided, single submitter. Criteria: Ambry Variant Classification Scheme 2023. Collection method: clinical testing. Allele origin: germline.
Comment: The p.R594G variant (also known as c.1780A>G), located in coding exon 11 of the NBN gene, results from an A to G substitution at nucleotide position 1780. The arginine at codon 594 is replaced by glycine, an amino acid with dissimilar properties. This amino acid position is well conserved in available vertebrate species. In addition, this alteration is predicted to be tolerated by in silico analysis. Since supporting evidence is limited at this time, the clinical significance of this alteration remains unclear.

NM_002485.5(NBN):c.1780A>G (p.Arg594Gly)

Gene: NBN (nibrin; minus strand). Cytogenetic location: 8q21.3.
Variant type: single nucleotide variant.
Coding change: c.1780A>G on transcript NM_002485.5 (MANE Select); coding-DNA position 1780, A replaced by G.
Protein change: p.Arg594Gly; replaces arginine 594 with glycine.
Molecular consequence: missense variant.
Genome position (GRCh38, 1-based): chr8:89,953,309, T>C on the plus strand (A>G on the coding strand, the complement: NBN is on the minus strand). VCF-style: chr8-89953309-T-C. GRCh37 (hg19) VCF-style: chr8-90965537-T-C.
Other names: c.1534A>G, p.Arg512Gly (NM_001024688.3); short protein forms R594G, R512G.
Identifiers: ClinVar variation 490050 (VCV000490050.15), dbSNP rs1554558241, ClinGen allele CA371655109.